The following is an entry in ClinVar:

ClinVar aggregate classification (germline): Uncertain significance (1 of 4 stars; one submission).

Conditions:
DICER1-related tumor predisposition. Also called: DICER1 syndrome; DICER1-related pleuropulmonary blastoma cancer predisposition syndrome. Identifiers: Orphanet 284343, MedGen C3839822, MONDO:0100216.

Submission:

Labcorp Genetics (formerly Invitae), Labcorp
Classification: Uncertain significance for DICER1-related tumor predisposition. Last evaluated: 2022-08-11. Review status: criteria provided, single submitter. Criteria: Invitae Variant Classification Sherloc (09022015). Collection method: clinical testing. Allele origin: germline.
Comment: In summary, the available evidence is currently insufficient to determine the role of this variant in disease. Therefore, it has been classified as a Variant of Uncertain Significance. Algorithms developed to predict the effect of missense changes on protein structure and function output the following: SIFT: "Tolerated"; PolyPhen-2: "Benign"; Align-GVGD: "Class C0". The histidine amino acid residue is found in multiple mammalian species, which suggests that this missense change does not adversely affect protein function. This variant has not been reported in the literature in individuals affected with DICER1-related conditions. This variant is not present in population databases (gnomAD no frequency). This sequence change replaces aspartic acid, which is acidic and polar, with histidine, which is basic and polar, at codon 602 of the DICER1 protein (p.Asp602His).

NM_177438.3(DICER1):c.1804G>C (p.Asp602His)

Gene: DICER1 (dicer 1, ribonuclease III; minus strand). Cytogenetic location: 14q32.13.
Variant type: single nucleotide variant.
Coding change: c.1804G>C on transcript NM_177438.3 (MANE Select); coding-DNA position 1804, G replaced by C.
Protein change: p.Asp602His; replaces aspartic acid 602 with histidine.
Molecular consequence: missense variant. On other transcripts: non-coding transcript variant (6).
Genome position (GRCh38, 1-based): chr14:95,115,770, C>G on the plus strand (G>C on the coding strand, the complement: DICER1 is on the minus strand). VCF-style: chr14-95115770-C-G. GRCh37 (hg19) VCF-style: chr14-95582107-C-G.
Other names: c.1804G>C, p.Asp602His (NM_001195573.1, NM_001271282.3, NM_001291628.2 and 13 more transcripts); c.1522G>C, p.Asp508His (NM_001395686.1); c.1399G>C, p.Asp467His (NM_001395687.1, NM_001395688.1, NM_001395689.1 and 3 more transcripts); c.1237G>C, p.Asp413His (NM_001395691.1); c.121G>C, p.Asp41His (NM_001395697.1); short protein forms D413H, D41H, D467H, D508H, D602H.
Identifiers: ClinVar variation 1716139 (VCV001716139.6), dbSNP rs2140114207, ClinGen allele CA390884097.
Genomic context (GRCh38, chr14:95,115,770, plus strand): 5'-CACCATCGTCAGGCCTCAACACATATGGTGGGAAAACGTCATCATCATCCATGACAGGAT[C>G]AATGTCAGTCTCACCAGTATCAACCGACTTGGAACACTTGTTTCTCAAGATCTGAACATT-3'
Protein context (NP_803187.1, residues 592-612): KSVDTGETDI[Asp602His]PVMDDDDVFP